The following is an entry in ClinVar:

NM_004168.4(SDHA):c.106A>G (p.Thr36Ala)

Gene: SDHA (succinate dehydrogenase complex flavoprotein subunit A; plus strand). Cytogenetic location: 5p15.33.
Variant type: single nucleotide variant.
Coding change: c.106A>G on transcript NM_004168.4 (MANE Select); coding-DNA position 106, A replaced by G.
Protein change: p.Thr36Ala; replaces threonine 36 with alanine.
Molecular consequence: missense variant.
Genome position (GRCh38, 1-based): chr5:223,524, A>G. VCF-style: chr5-223524-A-G. GRCh37 (hg19) VCF-style: chr5-223639-A-G.
Other names: c.106A>G, p.Thr36Ala (NM_001294332.2, NM_001330758.2); short protein forms T36A.
Identifiers: ClinVar variation 230054 (VCV000230054.18), dbSNP rs750500173, ClinGen allele CA3172719.

ClinVar aggregate classification (germline): Uncertain significance. Review status: criteria provided, multiple submitters, no conflicts (2 of 4 stars). 4 submissions from 4 submitters: Uncertain significance (4). Last evaluated 2025-12-23.

Conditions:
Hereditary cancer-predisposing syndrome. Also called: Tumor predisposition; Hereditary neoplastic syndrome; Hereditary Cancer Syndrome; Neoplastic Syndromes, Hereditary. Identifiers: Orphanet 140162, MedGen C0027672, MeSH D009386, MONDO:0015356.
Mitochondrial complex II deficiency, nuclear type 1. Also called: SUCCINATE CoQ REDUCTASE DEFICIENCY. Identifiers: Orphanet 3208, MedGen C5700310, MONDO:0100294, OMIM 252011.
Pheochromocytoma/paraganglioma syndrome 5. Also called: Paragangliomas 5; SDHA-Related Hereditary Paraganglioma-Pheochromocytoma Syndrome. Identifiers: Orphanet 29072, MedGen C3279992, MONDO:0013602, OMIM 614165.
Dilated cardiomyopathy 1GG (CMD1GG). Identifiers: Orphanet 154, MedGen C3150898, MONDO:0013339, OMIM 613642.

Allele frequency attached by ClinVar (database versions not stated): gnomAD exomes below 0.00001; ExAC 0.00001.
gnomAD v4.1: 6 of 1,613,846 alleles (0.00037%); highest among the groups gnomAD compares: Non-Finnish European, 0.00051%; no homozygotes.

Submissions (4):

Labcorp Genetics (formerly Invitae), Labcorp
Classification: Uncertain significance for Pheochromocytoma/paraganglioma syndrome 5; Mitochondrial complex II deficiency, nuclear type 1. Last evaluated: 2025-12-23. Review status: criteria provided, single submitter. Criteria: Invitae Variant Classification Sherloc (09022015). Collection method: clinical testing. Allele origin: germline.
Comment: This sequence change replaces threonine, which is neutral and polar, with alanine, which is neutral and non-polar, at codon 36 of the SDHA protein (p.Thr36Ala). This variant is present in population databases (rs750500173, gnomAD 0.0009%). This variant has not been reported in the literature in individuals affected with SDHA-related conditions. ClinVar contains an entry for this variant (Variation ID: 230054). Invitae Evidence Modeling of protein sequence and biophysical properties (such as structural, functional, and spatial information, amino acid conservation, physicochemical variation, residue mobility, and thermodynamic stability) indicates that this missense variant is not expected to disrupt SDHA protein function with a negative predictive value of 95%. In summary, the available evidence is currently insufficient to determine the role of this variant in disease. Therefore, it has been classified as a Variant of Uncertain Significance.

Ambry Genetics
Classification: Uncertain significance for Hereditary cancer-predisposing syndrome. Last evaluated: 2024-04-10. Review status: criteria provided, single submitter. Criteria: Ambry Variant Classification Scheme 2023. Collection method: clinical testing. Allele origin: germline.
Comment: The p.T36A variant (also known as c.106A>G), located in coding exon 2 of the SDHA gene, results from an A to G substitution at nucleotide position 106. The threonine at codon 36 is replaced by alanine, an amino acid with similar properties. This amino acid position is not well conserved in available vertebrate species. In addition, this alteration is predicted to be tolerated by in silico analysis. Based on the available evidence, the clinical significance of this variant remains unclear.

Baylor Genetics
Classification: Uncertain significance for Dilated cardiomyopathy 1GG. Last evaluated: 2023-10-22. Review status: criteria provided, single submitter. Criteria: ACMG Guidelines, 2015. Collection method: clinical testing. Allele origin: unknown.

GeneDx
Classification: Uncertain significance. Last evaluated: 2023-08-22. Review status: criteria provided, single submitter. Criteria: GeneDx Variant Classification Process June 2021. Collection method: clinical testing. Allele origin: germline.
Comment: Not observed at significant frequency in large population cohorts (gnomAD); In silico analysis supports that this missense variant does not alter protein structure/function; Has not been previously published as pathogenic or benign to our knowledge